The following is an entry in ClinVar:

ClinVar aggregate classification (germline): Benign/Likely benign. Review status: criteria provided, multiple submitters, no conflicts (2 of 4 stars). 8 submissions from 8 submitters: Benign (2); Likely benign (4). 2 of the submissions do not count toward it. Last evaluated 2026-02-01.

Conditions:
SPTBN2-related disorder. Also called: SPTBN2-related condition.

Allele frequency attached by ClinVar (database versions not stated): ESP Exome Variant Server 0.00110; gnomAD 0.00125 and 0.00102; 1000 Genomes Project 30x 0.00141; 1000 Genomes Project 0.00180; gnomAD exomes 0.00224; ExAC 0.00282; TOPMed 0.00104.
gnomAD v4.1: 2,618 of 1,605,338 alleles (0.16%); highest among the groups gnomAD compares: South Asian, 0.73%; 11 homozygotes.

Submissions (8):

CeGaT Center for Human Genetics Tuebingen
Classification: Likely benign. Last evaluated: 2026-02-01. Review status: criteria provided, single submitter. Criteria: CeGaT Center For Human Genetics Tuebingen Variant Classification Criteria Version 2. Collection method: clinical testing. Allele origin: germline. Affected: yes. Observed: 11 variant alleles.
Comment: SPTBN2: BS2

Labcorp Genetics (formerly Invitae), Labcorp
Classification: Benign. Last evaluated: 2026-01-07. Review status: criteria provided, single submitter. Criteria: Invitae Variant Classification Sherloc (09022015). Collection method: clinical testing. Allele origin: germline.

Genomic Medicine Center of Excellence, King Faisal Specialist Hospital and Research Centre
Classification: Likely benign. Last evaluated: 2025-08-18. Review status: criteria provided, single submitter. Criteria: ACMG Guidelines, 2015. Collection method: clinical testing. Allele origin: germline.

Athena Diagnostics
Classification: Benign. Last evaluated: 2024-07-30. Review status: criteria provided, single submitter. Criteria: Athena Diagnostics Criteria. Collection method: clinical testing. Allele origin: unknown.

GeneDx
Classification: Likely benign. Last evaluated: 2024-07-23. Review status: criteria provided, single submitter. Criteria: GeneDx Variant Classification Process June 2021. Collection method: clinical testing. Allele origin: germline. Affected: yes.
Comment: See Variant Classification Assertion Criteria.

Breakthrough Genomics
Classification: Likely benign. Review status: criteria provided, single submitter. Criteria: ACMG Guidelines, 2015. Collection method: not provided. Allele origin: germline. Inheritance: Autosomal recessive inheritance. Affected: yes.

PreventionGenetics, part of Exact Sciences
Classification: Benign for SPTBN2-related condition. Last evaluated: 2020-03-03. Review status: no assertion criteria provided. Collection method: clinical testing. Allele origin: germline. Not counted in ClinVar's aggregate classification.
Comment: This variant is classified as benign based on ACMG/AMP sequence variant interpretation guidelines (Richards et al. 2015 PMID: 25741868, with internal and published modifications).

Department of Pathology and Laboratory Medicine, Sinai Health System
Classification: Benign. Review status: no assertion criteria provided. Collection method: clinical testing. Allele origin: unknown. Affected: yes. Study: The Canadian Open Genetics Repository (COGR). Not counted in ClinVar's aggregate classification.
Comment: The SPTBN2 p.Arg658Trp variant was not identified in the literature but was identified in dbSNP (ID: rs199968321), ClinVar (classified as likely benign by Illumina and GeneDx) snd LOVD 3.0 (classified as a VUS). The variant was also identified in control databases in 557 of 258498 chromosomes (4 homozygous) at a frequency of 0.002155 increasing the likelihood this could be a low frequency benign variant (Genome Aggregation Database March 6, 2019, v2.1.1). The variant was observed in the following populations: South Asian in 215 of 30148 chromosomes (freq: 0.007131), Ashkenazi Jewish in 64 of 9872 chromosomes (freq: 0.006483), European (Finnish) in 41 of 20076 chromosomes (freq: 0.002042), Other in 13 of 6752 chromosomes (freq: 0.001925), European (non-Finnish) in 212 of 115488 chromosomes (freq: 0.001836), Latino in 9 of 34698 chromosomes (freq: 0.000259) and African in 3 of 22354 chromosomes (freq: 0.000134), but was not observed in the East Asian population. The p.Arg658 residue is conserved in mammals but not in more distantly related organisms, and four out of five computational analyses (PolyPhen-2, SIFT, AlignGVGD, BLOSUM, MutationTaster) suggest that the variant may impact the protein; however, this information is not predictive enough to assume pathogenicity. The variant occurs outside of the splicing consensus sequence and three of four silico or computational prediction software programs (SpliceSiteFinder, MaxEntScan, NNSPLICE, GeneSplicer) do not predict a greater than 10% difference in splicing; this is not very predictive of pathogenicity. In summary, based on the above information this variant meets our laboratory's criteria to be classified as benign.

Literature cited by the submitters: PubMed 27965395 (cited by Athena Diagnostics).

NM_006946.4(SPTBN2):c.1972C>T (p.Arg658Trp)

Gene: SPTBN2 (spectrin beta, non-erythrocytic 2; minus strand). Cytogenetic location: 11q13.2.
Variant type: single nucleotide variant.
Coding change: c.1972C>T on transcript NM_006946.4 (MANE Select); coding-DNA position 1972, C replaced by T.
Protein change: p.Arg658Trp; replaces arginine 658 with tryptophan.
Molecular consequence: missense variant.
Genome position (GRCh38, 1-based): chr11:66,705,304, G>A on the plus strand (C>T on the coding strand, the complement: SPTBN2 is on the minus strand). VCF-style: chr11-66705304-G-A. GRCh37 (hg19) VCF-style: chr11-66472775-G-A.
Other names: short protein forms R658W.
Identifiers: ClinVar variation 305578 (VCV000305578.54), dbSNP rs199968321, ClinGen allele CA6129206.